The following is an entry in ClinVar:

NM_002076.4(GNS):c.779A>G (p.Asn260Ser)

Gene: GNS (glucosamine (N-acetyl)-6-sulfatase; minus strand). Cytogenetic location: 12q14.3.
Variant type: single nucleotide variant.
Coding change: c.779A>G on transcript NM_002076.4 (MANE Select); coding-DNA position 779, A replaced by G.
Protein change: p.Asn260Ser; replaces asparagine 260 with serine.
Molecular consequence: missense variant.
Genome position (GRCh38, 1-based): chr12:64,743,154, T>C on the plus strand (A>G on the coding strand, the complement: GNS is on the minus strand). VCF-style: chr12-64743154-T-C. GRCh37 (hg19) VCF-style: chr12-65136934-T-C.
Other names: short protein forms N260S.
Identifiers: ClinVar variation 1491010 (VCV001491010.6), dbSNP rs2136247542, ClinGen allele CA385608799.

ClinVar aggregate classification (germline): Uncertain significance (1 of 4 stars; one submission).

Conditions:
Mucopolysaccharidosis, MPS-III-D (MPS3D). Also called: N-ACETYLGLUCOSAMINE-6-SULFATASE DEFICIENCY; SANFILIPPO SYNDROME D; MPS III D; Mucopoly-saccharidosis type 3D; N-acetylglucosamine-6-sulfate sulfatase deficiency; MPS 3D. Identifiers: Orphanet 581, Orphanet 79272, MedGen C0086650, MONDO:0009658, OMIM 252940.

Submission:

Labcorp Genetics (formerly Invitae), Labcorp
Classification: Uncertain significance for Mucopolysaccharidosis, MPS-III-D. Last evaluated: 2025-09-28. Review status: criteria provided, single submitter. Criteria: Invitae Variant Classification Sherloc (09022015). Collection method: clinical testing. Allele origin: germline.
Comment: This sequence change replaces asparagine, which is neutral and polar, with serine, which is neutral and polar, at codon 260 of the GNS protein (p.Asn260Ser). This variant is not present in population databases (gnomAD no frequency). This variant has not been reported in the literature in individuals affected with GNS-related conditions. ClinVar contains an entry for this variant (Variation ID: 1491010). An algorithm developed to predict the effect of missense changes on protein structure and function (PolyPhen-2) suggests that this variant is likely to be disruptive. In summary, the available evidence is currently insufficient to determine the role of this variant in disease. Therefore, it has been classified as a Variant of Uncertain Significance.